The following is an entry in ClinVar:

ClinVar aggregate classification (germline): Uncertain significance. Review status: criteria provided, multiple submitters, no conflicts (2 of 4 stars). 3 submissions from 3 submitters: Uncertain significance (3). Last evaluated 2026-01-04.

Conditions:
Hereditary cancer-predisposing syndrome. Also called: Hereditary neoplastic syndrome; Neoplastic Syndromes, Hereditary; Tumor predisposition; Hereditary Cancer Syndrome. Identifiers: Orphanet 140162, MedGen C0027672, MeSH D009386, MONDO:0015356.
Colorectal cancer, susceptibility to, 12 (CRCS12). Also called: COLORECTAL CANCER, SUSCEPTIBILITY TO, ON CHROMOSOME 12q24. Identifiers: Orphanet 220460, MedGen C3554460, MONDO:0014038, OMIM 615083.

gnomAD v4.1: 3 of 1,614,156 alleles (0.00019%); highest among the groups gnomAD compares: South Asian, 0.0033%; no homozygotes.

Submissions (3):

Labcorp Genetics (formerly Invitae), Labcorp
Classification: Uncertain significance. Last evaluated: 2026-01-04. Review status: criteria provided, single submitter. Criteria: Invitae Variant Classification Sherloc (09022015). Collection method: clinical testing. Allele origin: germline.
Comment: This sequence change replaces isoleucine, which is neutral and non-polar, with methionine, which is neutral and non-polar, at codon 1254 of the POLE protein (p.Ile1254Met). This variant is not present in population databases (gnomAD no frequency). This variant has not been reported in the literature in individuals affected with POLE-related conditions. ClinVar contains an entry for this variant (Variation ID: 1006200). Invitae Evidence Modeling of protein sequence and biophysical properties (such as structural, functional, and spatial information, amino acid conservation, physicochemical variation, residue mobility, and thermodynamic stability) indicates that this missense variant is not expected to disrupt POLE protein function with a negative predictive value of 80%. In summary, the available evidence is currently insufficient to determine the role of this variant in disease. Therefore, it has been classified as a Variant of Uncertain Significance.

Ambry Genetics
Classification: Uncertain significance for Hereditary cancer-predisposing syndrome. Last evaluated: 2025-09-29. Review status: criteria provided, single submitter. Criteria: Ambry Variant Classification Scheme 2023. Collection method: clinical testing. Allele origin: germline.
Comment: The p.I1254M variant (also known as c.3762C>G), located in coding exon 30 of the POLE gene, results from a C to G substitution at nucleotide position 3762. The isoleucine at codon 1254 is replaced by methionine, an amino acid with highly similar properties. This amino acid position is conserved. In addition, this alteration is predicted to be tolerated by in silico analysis. Since supporting evidence is limited at this time, the clinical significance of this alteration remains unclear.

Foundation for Research in Genetics and Endocrinology, FRIGE's Institute of Human Genetics
Classification: Uncertain significance for Colorectal cancer, susceptibility to, 12. Last evaluated: 2025-07-05. Review status: criteria provided, single submitter. Criteria: ACMG Guidelines, 2015. Collection method: clinical testing. Allele origin: germline. Inheritance: Autosomal dominant inheritance. Affected: yes. Observed: 1 heterozygote.
Comment: A heterozygous missense variation in exon 30 of the POLE gene that results in the amino acid substitution of Methionine for Isoleucine at codon 1254 (p.Ile1254Met) was detected. The p.Ile1254Met variant has not been reported in the 1000 genomes, gnomAD V3.0 and gnomAD V2.1 databases. The in silico predictions of the variant are damaging by SIFT, LRT and Mutation Taster2 tools. The reference codon is conserved across species. In summary, the variant meets our criteria to be classified as a variant of uncertain significance.

NM_006231.4(POLE):c.3762C>G (p.Ile1254Met)

Gene: POLE (DNA polymerase epsilon, catalytic subunit; minus strand). Cytogenetic location: 12q24.33.
Variant type: single nucleotide variant.
Coding change: c.3762C>G on transcript NM_006231.4 (MANE Select); coding-DNA position 3762, C replaced by G.
Protein change: p.Ile1254Met; replaces isoleucine 1254 with methionine.
Molecular consequence: missense variant.
Genome position (GRCh38, 1-based): chr12:132,649,710, G>C on the plus strand (C>G on the coding strand, the complement: POLE is on the minus strand). VCF-style: chr12-132649710-G-C. GRCh37 (hg19) VCF-style: chr12-133226296-G-C.
Other names: p.Ile1254Met; short protein forms I1254M.
Identifiers: ClinVar variation 1006200 (VCV001006200.13), dbSNP rs2042376225, ClinGen allele CA387386068.